The following is an entry in ClinVar:

NM_001378454.1(ALMS1):c.10332del (p.Glu3446fs)

Gene: ALMS1 (ALMS1 centrosome and basal body associated protein; plus strand). Cytogenetic location: 2p13.1.
Variant type: Deletion.
Coding change: c.10332del on transcript NM_001378454.1 (MANE Select); coding-DNA position 10332, one base deleted (T; older notation c.10332delT).
Protein change: p.Glu3446fs; shifts the reading frame from glutamic acid 3446.
Molecular consequence: frameshift variant.
Genome position (GRCh38, 1-based): chr2:73,559,090, T deleted; the last of 2 consecutive T bases (chr2:73,559,089-73,559,090); deleting either gives the same sequence. VCF-style (leftmost placement, unchanged base first): chr2-73559088-GT-G. GRCh37 (hg19) VCF-style: chr2-73786215-GT-G.
Other names: c.10335del, p.Glu3447fs (NM_015120.4); short protein forms E3446fs, E3447fs.
Identifiers: ClinVar variation 2087991 (VCV002087991.4), dbSNP rs2466408583, ClinGen allele CA2580068164.
Genomic context (GRCh38, chr2:73,559,088, plus strand): 5'-AAGAACTTGCCAGACACTAAAGCCATTACACAGAAAGAGGAGATCCATAGGAAGAAGACA[GT>G]TCCCGAGGAAGCCTGGCCAAACAATAAAGAATCCCTACAGATCAATATTGAAGGTAATGG-3'

ClinVar aggregate classification (germline): Pathogenic (1 of 4 stars; one submission).

Conditions:
Alstrom syndrome (ALMS). Identifiers: Orphanet 64, MedGen C0268425, MONDO:0008763, OMIM 203800.

Submission:

Labcorp Genetics (formerly Invitae), Labcorp
Classification: Pathogenic for Alstrom syndrome. Last evaluated: 2022-01-19. Review status: criteria provided, single submitter. Criteria: Invitae Variant Classification Sherloc (09022015). Collection method: clinical testing. Allele origin: germline.
Comment: For these reasons, this variant has been classified as Pathogenic. This variant has not been reported in the literature in individuals affected with ALMS1-related conditions. This variant is not present in population databases (gnomAD no frequency). This sequence change creates a premature translational stop signal (p.Glu3447Argfs*62) in the ALMS1 gene. It is expected to result in an absent or disrupted protein product. Loss-of-function variants in ALMS1 are known to be pathogenic (PMID: 17594715).

Literature cited by the submitters: PubMed 17594715.